The following is an entry in ClinVar:

ClinVar aggregate classification (germline): Pathogenic. Review status: no assertion criteria provided (0 of 4 stars). 2 submissions from 2 submitters: Pathogenic (2). Last evaluated 2013-08-29.

Conditions:
Holoprosencephaly 3 (HPE3). Identifiers: Orphanet 2162, MedGen C1840529, MONDO:0007733, OMIM 142945.

Allele frequency attached by ClinVar (database versions not stated): gnomAD exomes below 0.00001; ExAC 0.00001.

Submissions (2):

GeneReviews
Classification: Pathogenic for Holoprosencephaly. Last evaluated: 2013-08-29. Review status: no assertion criteria provided. Collection method: curation. Allele origin: unknown.
ClinVar note: Converted during submission from pathologic to Pathogenic.

OMIM
Classification: Pathogenic for HOLOPROSENCEPHALY 3. Last evaluated: 2009-07-17. Review status: no assertion criteria provided. Collection method: literature only. Allele origin: germline.

Literature cited by the submitters: PubMed 10556296 (cited by OMIM); PubMed 19478089 (cited by OMIM).

NM_000193.4(SHH):c.345C>A (p.Asn115Lys)

Gene: SHH (sonic hedgehog signaling molecule; minus strand). Cytogenetic location: 7q36.3.
Variant type: single nucleotide variant.
Coding change: c.345C>A on transcript NM_000193.4 (MANE Select); coding-DNA position 345, C replaced by A.
Protein change: p.Asn115Lys; replaces asparagine 115 with lysine.
Molecular consequence: missense variant. On other transcripts: non-coding transcript variant (2).
Genome position (GRCh38, 1-based): chr7:155,806,513, G>T on the plus strand (C>A on the coding strand, the complement: SHH is on the minus strand). VCF-style: chr7-155806513-G-T. GRCh37 (hg19) VCF-style: chr7-155599207-G-T.
Other names: c.345C>A; c.84C>A, p.Asn28Lys (NM_001310462.2); short protein forms N115K, N28K.
Identifiers: ClinVar variation 8896 (VCV000008896.3), dbSNP rs267607047, ClinGen allele CA340846.